The following is an entry in ClinVar:

ClinVar aggregate classification (germline): Likely benign. Review status: criteria provided, single submitter (1 of 4 stars). 2 submissions from 2 submitters: Likely benign (1). 1 of the submissions does not count toward it. Last evaluated 2024-06-25.

Conditions:
RPL35-related disorder. Also called: RPL35-related condition.

Allele frequency attached by ClinVar (database versions not stated): gnomAD exomes 0.00010; gnomAD 0.00016; TOPMed 0.00021; ExAC 0.00034; 1000 Genomes Project 30x 0.00078; 1000 Genomes Project 0.00080.
gnomAD v4.1: 174 of 1,612,324 alleles (0.011%); highest among the groups gnomAD compares: East Asian, 0.24%; no homozygotes.

Submissions (2):

Labcorp Genetics (formerly Invitae), Labcorp
Classification: Likely benign. Last evaluated: 2024-06-25. Review status: criteria provided, single submitter. Criteria: Invitae Variant Classification Sherloc (09022015). Collection method: clinical testing. Allele origin: germline.

PreventionGenetics, part of Exact Sciences
Classification: Likely benign for RPL35-related condition. Last evaluated: 2024-01-15. Review status: no assertion criteria provided. Collection method: clinical testing. Allele origin: germline. Not counted in ClinVar's aggregate classification.
Comment: This variant is classified as likely benign based on ACMG/AMP sequence variant interpretation guidelines (Richards et al. 2015 PMID: 25741868, with internal and published modifications).

NM_007209.4(RPL35):c.281G>A (p.Arg94Gln)

Gene: RPL35 (ribosomal protein L35; minus strand). Cytogenetic location: 9q33.3.
Variant type: single nucleotide variant.
Coding change: c.281G>A on transcript NM_007209.4 (MANE Select); coding-DNA position 281, G replaced by A.
Protein change: p.Arg94Gln; replaces arginine 94 with glutamine.
Molecular consequence: missense variant.
Genome position (GRCh38, 1-based): chr9:124,858,009, C>T on the plus strand (G>A on the coding strand, the complement: RPL35 is on the minus strand). VCF-style: chr9-124858009-C-T. GRCh37 (hg19) VCF-style: chr9-127620288-C-T.
Other names: c.281G>A (NM_007209.3); short protein forms R94Q.
Identifiers: ClinVar variation 2901784 (VCV002901784.5), dbSNP rs199675515, ClinGen allele CA5237190.